The following is an entry in ClinVar:

ClinVar aggregate classification (germline): Uncertain significance. Review status: reviewed by expert panel (3 of 4 stars). 4 submissions from 4 submitters: Uncertain significance (1). 3 of the submissions do not count toward it. Last evaluated 2024-07-11.

Conditions:
Inborn genetic diseases. Identifiers: MedGen C0950123, MeSH D030342.
Hereditary thrombocytopenia and hematological cancer predisposition syndrome associated with RUNX1. Also called: PLATELET DISORDER, ASPIRIN-LIKE; RUNX1 Familial Platelet Disorder with Associated Myeloid Malignancies; Familial thrombocytopenia with propensity to acute myelogenous leukemia; Familial Platelet Disorder with Propensity to Acute Myelogenous Leukemia. Identifiers: Orphanet 71290, MedGen C1832388, MeSH C563324, MONDO:0100083, OMIM 601399.
Hereditary thrombocytopenia and hematologic cancer predisposition syndrome. Identifiers: Orphanet 71290, MedGen CN281654, MONDO:0011071.

Submissions (4):

ClinGen Myeloid Malignancy Variant Curation Expert Panel
Classification: Uncertain significance for Hereditary thrombocytopenia and hematologic cancer predisposition syndrome. Last evaluated: 2024-07-11. Review status: reviewed by expert panel. Criteria: ClinGen MyeloMalig ACMG Specifications v2. Collection method: curation. Allele origin: germline. Inheritance: Autosomal dominant inheritance.
Comment: NM_001754.5(RUNX1):c.791A>G (p.Gln264Arg) is a missense variant which is completely absent from all population databases with at least 20x coverage for RUNX1 (PM2_Supporting). In summary, the clinical significance of this variant is uncertain. ACMG/AMP criteria applied, as specified by the Myeloid Malignancy Variant Curation Expert Panel for RUNX1: PM2_supporting.

GeneDx
Classification: Uncertain significance. Last evaluated: 2026-02-13. Review status: criteria provided, single submitter. Criteria: GeneDx Variant Classification Process June 2021. Collection method: clinical testing. Allele origin: germline. Not counted in ClinVar's aggregate classification.
Comment: Not observed at significant frequency in large population cohorts (gnomAD); In silico analysis supports that this missense variant has a deleterious effect on protein structure/function; Has not been previously published as pathogenic or benign to our knowledge

Ambry Genetics
Classification: Uncertain significance for Inborn genetic diseases. Last evaluated: 2025-02-22. Review status: criteria provided, single submitter. Criteria: Ambry Variant Classification Scheme 2023. Collection method: clinical testing. Allele origin: germline. Not counted in ClinVar's aggregate classification.
Comment: The p.Q264R variant (also known as c.791A>G), located in coding exon 6 of the RUNX1 gene, results from an A to G substitution at nucleotide position 791. The glutamine at codon 264 is replaced by arginine, an amino acid with highly similar properties. This amino acid position is conserved. In addition, this alteration is predicted to be deleterious by in silico analysis. Based on the available evidence, the clinical significance of this variant remains unclear.

Labcorp Genetics (formerly Invitae), Labcorp
Classification: Uncertain significance for Hereditary thrombocytopenia and hematological cancer predisposition syndrome associated with RUNX1. Last evaluated: 2024-02-19. Review status: criteria provided, single submitter. Criteria: Invitae Variant Classification Sherloc (09022015). Collection method: clinical testing. Allele origin: germline. Not counted in ClinVar's aggregate classification.
Comment: This sequence change replaces glutamine, which is neutral and polar, with arginine, which is basic and polar, at codon 264 of the RUNX1 protein (p.Gln264Arg). This variant is not present in population databases (gnomAD no frequency). This variant has not been reported in the literature in individuals affected with RUNX1-related conditions. ClinVar contains an entry for this variant (Variation ID: 860155). Advanced modeling of protein sequence and biophysical properties (such as structural, functional, and spatial information, amino acid conservation, physicochemical variation, residue mobility, and thermodynamic stability) performed at Invitae indicates that this missense variant is not expected to disrupt RUNX1 protein function with a negative predictive value of 80%. In summary, the available evidence is currently insufficient to determine the role of this variant in disease. Therefore, it has been classified as a Variant of Uncertain Significance.

NM_001754.5(RUNX1):c.791A>G (p.Gln264Arg)

Gene: RUNX1 (RUNX family transcription factor 1; minus strand). Cytogenetic location: 21q22.12.
Variant type: single nucleotide variant.
Coding change: c.791A>G on transcript NM_001754.5 (MANE Select); coding-DNA position 791, A replaced by G.
Protein change: p.Gln264Arg; replaces glutamine 264 with arginine.
Molecular consequence: missense variant.
Genome position (GRCh38, 1-based): chr21:34,834,424, T>C on the plus strand (A>G on the coding strand, the complement: RUNX1 is on the minus strand). VCF-style: chr21-34834424-T-C. GRCh37 (hg19) VCF-style: chr21-36206721-T-C.
Other names: NM_001754.5(RUNX1):c.791A>G; p.Gln264Arg; c.710A>G, p.Gln237Arg (NM_001001890.3, NM_001122607.2); short protein forms Q237R, Q264R.
Identifiers: ClinVar variation 860155 (VCV000860155.11), dbSNP rs2057110932, ClinGen allele CA410206682.